The following is an entry in ClinVar:

ClinVar aggregate classification (germline): Uncertain significance (1 of 4 stars; one submission).

Submission:

GeneDx
Classification: Uncertain significance. Last evaluated: 2024-10-22. Review status: criteria provided, single submitter. Criteria: GeneDx Variant Classification Process June 2021. Collection method: clinical testing. Allele origin: germline. Affected: yes.
Comment: Not observed at significant frequency in large population cohorts (gnomAD); Has not been previously published as pathogenic or benign to our knowledge; Nonsense variant predicted to result in protein truncation as the last 719 amino acid(s) are lost with an unclear effect on protein function

NM_152703.5(SAMD9L):c.2596C>T (p.Gln866Ter)

Gene: SAMD9L (sterile alpha motif domain containing 9 like; minus strand). Cytogenetic location: 7q21.2.
Variant type: single nucleotide variant.
Coding change: c.2596C>T on transcript NM_152703.5 (MANE Select); coding-DNA position 2596, C replaced by T.
Protein change: p.Gln866Ter; replaces glutamine 866 with a stop codon.
Molecular consequence: nonsense.
Genome position (GRCh38, 1-based): chr7:93,133,376, G>A on the plus strand (C>T on the coding strand, the complement: SAMD9L is on the minus strand). VCF-style: chr7-93133376-G-A. GRCh37 (hg19) VCF-style: chr7-92762689-G-A.
Other names: c.2596C>T, p.Gln866Ter (NM_001303496.3, NM_001303497.3, NM_001303498.3 and 5 more transcripts); short protein forms Q866*.
Identifiers: ClinVar variation 3893509 (VCV003893509.1).